The following is an entry in ClinVar:

ClinVar aggregate classification (germline): Uncertain significance (1 of 4 stars; one submission).

Submission:

GeneDx
Classification: Uncertain significance. Last evaluated: 2021-09-07. Review status: criteria provided, single submitter. Criteria: GeneDx Variant Classification Process June 2021. Collection method: clinical testing. Allele origin: germline. Affected: yes.
Comment: Has not been previously published as pathogenic or benign to our knowledge; Not observed at significant frequency in large population cohorts (Lek et al., 2016); In silico analysis supports that this missense variant does not alter protein structure/function

NM_001367721.1(CASK):c.1439T>A (p.Met480Lys)

Gene: CASK (calcium/calmodulin dependent serine protein kinase; minus strand). Cytogenetic location: Xp11.4.
Variant type: single nucleotide variant.
Coding change: c.1439T>A on transcript NM_001367721.1 (MANE Select); coding-DNA position 1439, T replaced by A.
Protein change: p.Met480Lys; replaces methionine 480 with lysine.
Molecular consequence: missense variant.
Genome position (GRCh38, 1-based): chrX:41,578,404, A>T on the plus strand (T>A on the coding strand, the complement: CASK is on the minus strand). VCF-style: chrX-41578404-A-T. GRCh37 (hg19) VCF-style: chrX-41437657-A-T.
Other names: c.1439T>A, p.Met480Lys (NM_001126054.3, NM_003688.4); c.1421T>A, p.Met474Lys (NM_001126055.3, NM_001410745.1); short protein forms M474K, M480K.
Identifiers: ClinVar variation 1309487 (VCV001309487.2), dbSNP rs2147201151, ClinGen allele CA412997503.